The following is an entry in ClinVar:

ClinVar aggregate classification (germline): Pathogenic/Likely pathogenic. Review status: criteria provided, multiple submitters, no conflicts (2 of 4 stars). 3 submissions from 3 submitters: Pathogenic (1); Likely pathogenic (2). Last evaluated 2024-04-22.

Conditions:
Familial cancer of breast. Also called: BREAST CANCER, FAMILIAL; hereditary breast carcinoma; Hereditary breast cancer. Identifiers: Orphanet 227535, MedGen C0346153, MONDO:0016419, OMIM 114480. Disease mechanism: loss of function.
Hereditary cancer-predisposing syndrome. Also called: Neoplastic Syndromes, Hereditary; Tumor predisposition; Hereditary Cancer Syndrome; Hereditary neoplastic syndrome. Identifiers: Orphanet 140162, MedGen C0027672, MeSH D009386, MONDO:0015356.
Hereditary breast ovarian cancer syndrome. Also called: BRCA1- and BRCA2-Associated Hereditary Breast and Ovarian Cancer; Hereditary breast and ovarian cancer syndrome; Hereditary breast and ovarian cancer; Hereditary breast and ovarian cancer syndrome (HBOC); Breast and ovarian cancer; Hereditary breast and/or ovarian cancer syndrome. Identifiers: Orphanet 145, MedGen C0677776, MeSH D061325, MONDO:0003582. Disease mechanism: loss of function.

Submissions (3):

Ambry Genetics
Classification: Likely pathogenic for Hereditary cancer-predisposing syndrome. Last evaluated: 2024-04-22. Review status: criteria provided, single submitter. Criteria: Ambry Variant Classification Scheme 2023. Collection method: clinical testing. Allele origin: germline.
Comment: The c.7436-2_7437delAGAT variant, located in the BRCA2 gene, is caused by the deletion of the first two nucleotides of coding exon 14 as well as the first two nucleotides upstream of this coding exon, causing a disruption of the canonical acceptor splice site. This alteration has been identified in one family whose clinical history was suggestive of hereditary breast and ovarian cancer (van Harssel JJ et al. Fam Cancer. 2010 Jun;9(2):193-201). This variant is considered to be rare based on population cohorts in the Genome Aggregation Database (gnomAD). This nucleotide region is well conserved in available vertebrate species. In silico splice site analysis predicts that this alteration will weaken the native splice acceptor site and will result in the creation or strengthening of a novel splice acceptor site. Alterations that disrupt the canonical splice site are expected to cause aberrant splicing, resulting in an abnormal protein or a transcript that is subject to nonsense-mediated mRNA decay. As such, this alteration is classified as likely pathogenic.

Baylor Genetics
Classification: Pathogenic for Familial cancer of breast. Last evaluated: 2023-11-16. Review status: criteria provided, single submitter. Criteria: ACMG Guidelines, 2015. Collection method: clinical testing. Allele origin: unknown.

Labcorp Genetics (formerly Invitae), Labcorp
Classification: Likely pathogenic for Hereditary breast ovarian cancer syndrome. Last evaluated: 2020-04-08. Review status: criteria provided, single submitter. Criteria: Invitae Variant Classification Sherloc (09022015). Collection method: clinical testing. Allele origin: germline.
Comment: This variant, also known as "c.7436_7437-2delAGAT" in the literature, has been reported in a family affected with breast and/or ovarian cancer (PMID: 19949876). ClinVar contains an entry for this variant (Variation ID: 231567). This variant is a deletion of the genomic region encompassing part of intron 14 and part of exon 15 (c.7436-2_7437del) of the BRCA2 gene. It is expected to disrupt RNA splicing and likely results in an absent or disrupted protein product. Loss-of-function variants in BRCA2 are known to be pathogenic (PMID: 20104584). In summary, the currently available evidence indicates that the variant is pathogenic, but additional data are needed to prove that conclusively. Therefore, this variant has been classified as Likely Pathogenic.

Literature cited by the submitters: PubMed 19949876 (cited by Ambry Genetics and Labcorp Genetics (formerly Invitae), Labcorp); PubMed 20104584 (cited by Labcorp Genetics (formerly Invitae), Labcorp).

NM_000059.4(BRCA2):c.7436-2_7437del

Gene: BRCA2 (BRCA2 DNA repair associated; plus strand). Cytogenetic location: 13q13.1.
Variant type: Deletion.
Coding change: c.7436-2_7437del on transcript NM_000059.4 (MANE Select); the canonical splice acceptor site of the intron before coding-DNA position 7436 through coding-DNA position 7437, 4 bases deleted (AGAT; older notation c.7436-2_7437delAGAT).
Molecular consequence: splice acceptor variant.
Genome position (GRCh38, 1-based): chr13:32,356,426-32,356,429, AGAT deleted; deleting any 4 consecutive bases within chr13:32,356,423-32,356,429 gives the same sequence; the c. name uses the placement nearest the transcript's 3' end. VCF-style (leftmost placement, unchanged base first): chr13-32356422-TGATA-T. GRCh37 (hg19) VCF-style: chr13-32930559-TGATA-T.
Other names: c.7436-2_7437delAGAT (NM_000059.3).
Identifiers: ClinVar variation 231567 (VCV000231567.17), dbSNP rs876659229, ClinGen allele CA10579738.